The following is an entry in ClinVar:

ClinVar aggregate classification (germline): Conflicting classifications of pathogenicity. Review status: criteria provided, conflicting classifications (1 of 4 stars). 7 submissions from 7 submitters: Uncertain significance (2); Likely benign (3). 2 of the submissions do not count toward it. Last evaluated 2026-01-24.

Conditions:
Inborn genetic diseases. Identifiers: MedGen C0950123, MeSH D030342.
AGXT-related disorder. Also called: AGXT-related condition.
Primary hyperoxaluria, type I (HP1). Also called: GLYCOLIC ACIDURIA; HEPATIC AGT DEFICIENCY; OXALOSIS I; Primary hyperoxaluria type 1. Identifiers: Orphanet 416, Orphanet 93598, MedGen C0268164, MONDO:0009823, OMIM 259900. Disease mechanism: loss of function.

Allele frequency attached by ClinVar (database versions not stated): ESP Exome Variant Server 0.00069; 1000 Genomes Project 0.00040; gnomAD exomes 0.00077 and 0.00066; gnomAD 0.00043; ExAC 0.00092; 1000 Genomes Project 30x 0.00031; TOPMed 0.00037.

Submissions (7):

Labcorp Genetics (formerly Invitae), Labcorp
Classification: Likely benign. Last evaluated: 2026-01-24. Review status: criteria provided, single submitter. Criteria: Invitae Variant Classification Sherloc (09022015). Collection method: clinical testing. Allele origin: germline.

Mayo Clinic Laboratories, Mayo Clinic
Classification: Likely benign. Last evaluated: 2025-11-28. Review status: criteria provided, single submitter. Criteria: ACMG Guidelines, 2015. Collection method: clinical testing. Allele origin: germline. Observed: 1 variant allele.
Comment: BS2, BP4

PreventionGenetics, part of Exact Sciences
Classification: Likely benign for AGXT-related condition. Last evaluated: 2025-02-18. Review status: criteria provided, single submitter. Criteria: ACMG Guidelines, 2015. Collection method: clinical testing. Allele origin: germline.
Comment: This variant is classified as likely benign based on ACMG/AMP sequence variant interpretation guidelines (Richards et al. 2015 PMID: 25741868, with internal and published modifications).

Ambry Genetics
Classification: Uncertain significance for Inborn genetic diseases. Last evaluated: 2021-10-18. Review status: criteria provided, single submitter. Criteria: Ambry Variant Classification Scheme 2023. Collection method: clinical testing. Allele origin: germline.

Illumina Laboratory Services, Illumina
Classification: Uncertain significance for Primary hyperoxaluria, type I. Last evaluated: 2018-01-12. Review status: criteria provided, single submitter. Criteria: ICSL Variant Classification Criteria 13 December 2019. Collection method: clinical testing. Allele origin: germline.

Natera, Inc.
Classification: Likely benign for Primary hyperoxaluria type I. Last evaluated: 2019-10-28. Review status: no assertion criteria provided. Collection method: clinical testing. Allele origin: germline. Not counted in ClinVar's aggregate classification.

Clinical Biochemistry Laboratory, Health Services Laboratory
Classification: Uncertain significance for Primary hyperoxaluria, type I. Last evaluated: 2014-11-27. Review status: no assertion criteria provided. Collection method: research. Allele origin: germline. Affected: yes. Not counted in ClinVar's aggregate classification.

NM_000030.3(AGXT):c.35A>G (p.Lys12Arg)

Gene: AGXT (alanine--glyoxylate aminotransferase; plus strand). Cytogenetic location: 2q37.3.
Variant type: single nucleotide variant.
Coding change: c.35A>G on transcript NM_000030.3 (MANE Select); coding-DNA position 35, A replaced by G.
Protein change: p.Lys12Arg; replaces lysine 12 with arginine.
Molecular consequence: missense variant.
Genome position (GRCh38, 1-based): chr2:240,868,900, A>G. VCF-style: chr2-240868900-A-G. GRCh37 (hg19) VCF-style: chr2-241808317-A-G.
Other names: short protein forms K12R.
Identifiers: ClinVar variation 204019 (VCV000204019.19), dbSNP rs142969817, ClinGen allele CA275546.
Genomic context (GRCh38, chr2:240,868,900, plus strand): 5'-CCCGAGCGGCAGGTTGGGTGCGGACCATGGCCTCTCACAAGCTGCTGGTGACCCCCCCCA[A>G]GGCCCTGCTCAAGCCCCTCTCCATCCCCAACCAGCTCCTGCTGGGGCCTGGTCCTTCCAA-3'
Protein context (NP_000021.1, residues 2-22): ASHKLLVTPP[Lys12Arg]ALLKPLSIPN